The following is an entry in ClinVar:

NM_002769.5(PRSS1):c.2T>G (p.Met1Arg)

Genes: PRSS1 (serine protease 1; plus strand), TRB (T cell receptor beta locus; plus strand). Cytogenetic location: 7q34.
Variant type: single nucleotide variant.
Coding change: c.2T>G on transcript NM_002769.5 (MANE Select); coding-DNA position 2, T replaced by G.
Protein change: p.Met1Arg; changes the start codon (methionine 1).
Molecular consequence: missense variant, initiator codon variant. On other transcripts: non-coding transcript variant (5).
Genome position (GRCh38, 1-based): chr7:142,749,486, T>G. VCF-style: chr7-142749486-T-G. GRCh37 (hg19) VCF-style: chr7-142457337-T-G.
Other names: short protein forms M1R.
Identifiers: ClinVar variation 2632422 (VCV002632422.4), dbSNP rs1366278558, ClinGen allele CA369606937.

ClinVar aggregate classification (germline): Uncertain significance. Review status: criteria provided, multiple submitters, no conflicts (2 of 4 stars). 2 submissions from 2 submitters: Uncertain significance (2). Last evaluated 2023-12-23.

Conditions:
PRSS1-related disorder. Also called: PRSS1-related condition.
Hereditary pancreatitis (PCTT). Also called: PRSS1-Related Hereditary Pancreatitis; Hereditary chronic pancreatitis. Identifiers: Orphanet 676, MedGen C0238339, MONDO:0008185, OMIM 167800.

Submissions (2):

Labcorp Genetics (formerly Invitae), Labcorp
Classification: Uncertain significance for Hereditary pancreatitis. Last evaluated: 2023-12-23. Review status: criteria provided, single submitter. Criteria: Invitae Variant Classification Sherloc (09022015). Collection method: clinical testing. Allele origin: germline.
Comment: This sequence change affects the initiator methionine of the PRSS1 mRNA. The next in-frame methionine is located at codon 109. The frequency data for this variant in the population databases is considered unreliable, as metrics indicate poor data quality at this position in the gnomAD database. This variant has not been reported in the literature in individuals affected with PRSS1-related conditions. ClinVar contains an entry for this variant (Variation ID: 2632422). Experimental studies and prediction algorithms are not available or were not evaluated, and the functional significance of this variant is currently unknown. In summary, the available evidence is currently insufficient to determine the role of this variant in disease. Therefore, it has been classified as a Variant of Uncertain Significance.

PreventionGenetics, part of Exact Sciences
Classification: Uncertain significance for PRSS1-related condition. Last evaluated: 2023-05-26. Review status: criteria provided, single submitter. Criteria: ACMG Guidelines, 2015. Collection method: clinical testing. Allele origin: germline.
Comment: The PRSS1 c.2T>G variant is predicted to disrupt the translation initiation site (Start loss). To our knowledge, this variant has not been reported in the literature. This variant is reported in 0.0029% of alleles in individuals of Latino descent in gnomAD. This variant falls within a highly paralogous region. Allele frequency data should be interpreted with caution. To our knowledge, other start loss variants have not been reported in literature. At this time, the clinical significance of this variant is uncertain due to the absence of conclusive functional and genetic evidence.